The following is an entry in ClinVar:

ClinVar aggregate classification (germline): Uncertain significance (1 of 4 stars; one submission).

Conditions:
Autosomal dominant limb-girdle muscular dystrophy type 1D (DNAJB6) (LGMDD1). Also called: MUSCULAR DYSTROPHY, LIMB-GIRDLE, TYPE 1D; MUSCULAR DYSTROPHY, AUTOSOMAL DOMINANT, WITH RIMMED VACUOLES; Autosomal dominant limb-girdle muscular dystrophy type 1D; Muscular dystrophy, limb-girdle, autosomal dominant 1. Identifiers: Orphanet 34516, MedGen C4721885, MONDO:0021018, OMIM 603511.

gnomAD v4.1: 4 of 1,533,694 alleles (0.00026%); highest among the groups gnomAD compares: Non-Finnish European, 0.00035%; no homozygotes.

Submission:

Labcorp Genetics (formerly Invitae), Labcorp
Classification: Uncertain significance for Autosomal dominant limb-girdle muscular dystrophy type 1D (DNAJB6). Last evaluated: 2025-11-12. Review status: criteria provided, single submitter. Criteria: Invitae Variant Classification Sherloc (09022015). Collection method: clinical testing. Allele origin: germline.
Comment: This sequence change replaces proline, which is neutral and non-polar, with leucine, which is neutral and non-polar, at codon 259 of the DNAJB6 protein (p.Pro259Leu). This variant is not present in population databases (gnomAD no frequency). This variant has not been reported in the literature in individuals affected with DNAJB6-related conditions. Invitae Evidence Modeling of protein sequence and biophysical properties (such as structural, functional, and spatial information, amino acid conservation, physicochemical variation, residue mobility, and thermodynamic stability) indicates that this missense variant is not expected to disrupt DNAJB6 protein function with a negative predictive value of 80%. In summary, the available evidence is currently insufficient to determine the role of this variant in disease. Therefore, it has been classified as a Variant of Uncertain Significance.

NM_058246.4(DNAJB6):c.776C>T (p.Pro259Leu)

Gene: DNAJB6 (DnaJ heat shock protein family (Hsp40) member B6; plus strand). Cytogenetic location: 7q36.3.
Variant type: single nucleotide variant.
Coding change: c.776C>T on transcript NM_058246.4 (MANE Select); coding-DNA position 776, C replaced by T.
Protein change: p.Pro259Leu; replaces proline 259 with leucine.
Molecular consequence: missense variant.
Genome position (GRCh38, 1-based): chr7:157,409,879, C>T. VCF-style: chr7-157409879-C-T. GRCh37 (hg19) VCF-style: chr7-157202573-C-T.
Other names: c.431C>T, p.Pro144Leu (NM_001363676.1); short protein forms P259L, P144L.
Identifiers: ClinVar variation 4691776 (VCV004691776.1).